The following is an entry in ClinVar:

ClinVar aggregate classification (germline): Benign/Likely benign. Review status: criteria provided, multiple submitters, no conflicts (2 of 4 stars). 2 submissions from 2 submitters: Benign (1); Likely benign (1). Last evaluated 2025-03-24.

Submissions (2):

Mayo Clinic Laboratories, Mayo Clinic
Classification: Benign. Last evaluated: 2025-03-24. Review status: criteria provided, single submitter. Criteria: ACMG Guidelines, 2015. Collection method: clinical testing. Allele origin: germline. Observed: 1 variant allele.

GeneDx
Classification: Likely benign. Last evaluated: 2022-09-14. Review status: criteria provided, single submitter. Criteria: GeneDx Variant Classification Process June 2021. Collection method: clinical testing. Allele origin: germline. Affected: yes.
Comment: See Variant Classification Assertion Criteria.

NM_030665.4(RAI1):c.837_849delinsA (p.Gln288_Gln291del)

Gene: RAI1 (retinoic acid induced 1; plus strand). Cytogenetic location: 17p11.2.
Variant type: Indel.
Coding change: c.837_849delinsA on transcript NM_030665.4 (MANE Select); coding-DNA positions 837 to 849, GCAGCAGCAGCAG replaced by A.
Protein change: p.Gln288_Gln291del.
Molecular consequence: inframe deletion.
Genome position (GRCh38, 1-based): chr17:17,793,785-17,793,797, GCAGCAGCAGCAG replaced by A. VCF-style: chr17-17793785-GCAGCAGCAGCAG-A. GRCh37 (hg19) VCF-style: chr17-17697099-GCAGCAGCAGCAG-A.
Other names: p.Gln288_Gln291del; c.837_849delGCAGCAGCAGCAGinsA (NM_030665.3).
Identifiers: ClinVar variation 1190631 (VCV001190631.6), dbSNP rs2143001749, ClinGen allele CA2499223928.
Genomic context (GRCh38, chr17:17,793,785, plus strand): 5'-GGGGCAGCGGGTCCAGAATCTTCATGCCTACCAGTCGGGCCGCCTCAGCTATGACCAGCA[GCAGCAGCAGCAG>A]CAGCAGCAGCAGCAGCAGCAGCAAGCCCTTCAGAGCCGGCACCATGCCCAGGAAACCCTC-3'